The following is an entry in ClinVar:

ClinVar aggregate classification (germline): Uncertain significance (1 of 4 stars; one submission).

Conditions:
Primary ciliary dyskinesia 23 (CILD23). Also called: CILIARY DYSKINESIA, PRIMARY, 23, WITH OR WITHOUT SITUS INVERSUS. Identifiers: Orphanet 244, MedGen C3809548, MONDO:0014193, OMIM 615451.

gnomAD v4.1: 4 of 1,540,420 alleles (0.00026%); highest among the groups gnomAD compares: Admixed American, 0.0025%; no homozygotes.

Submission:

Labcorp Genetics (formerly Invitae), Labcorp
Classification: Uncertain significance for Primary ciliary dyskinesia 23. Last evaluated: 2024-11-18. Review status: criteria provided, single submitter. Criteria: Invitae Variant Classification Sherloc (09022015). Collection method: clinical testing. Allele origin: germline.
Comment: This sequence change replaces aspartic acid, which is acidic and polar, with glutamic acid, which is acidic and polar, at codon 281 of the ARMC4 protein (p.Asp281Glu). This variant is not present in population databases (gnomAD no frequency). This variant has not been reported in the literature in individuals affected with ARMC4-related conditions. ClinVar contains an entry for this variant (Variation ID: 1681389). An algorithm developed to predict the effect of missense changes on protein structure and function outputs the following: PolyPhen-2: "Benign". The glutamic acid amino acid residue is found in multiple mammalian species, which suggests that this missense change does not adversely affect protein function. In summary, the available evidence is currently insufficient to determine the role of this variant in disease. Therefore, it has been classified as a Variant of Uncertain Significance.

NM_018076.5(ODAD2):c.843C>A (p.Asp281Glu)

Gene: ODAD2 (outer dynein arm docking complex subunit 2; minus strand). Cytogenetic location: 10p12.1.
Variant type: single nucleotide variant.
Coding change: c.843C>A on transcript NM_018076.5 (MANE Select); coding-DNA position 843, C replaced by A.
Protein change: p.Asp281Glu; replaces aspartic acid 281 with glutamic acid.
Molecular consequence: missense variant. On other transcripts: 5 prime UTR variant (2).
Genome position (GRCh38, 1-based): chr10:27,981,559, G>T on the plus strand (C>A on the coding strand, the complement: ODAD2 is on the minus strand). VCF-style: chr10-27981559-G-T. GRCh37 (hg19) VCF-style: chr10-28270488-G-T.
Other names: c.843C>A, p.Asp281Glu (NM_001290020.2); c.-281C>A (NM_001290021.2); c.-82C>A (NM_001312689.2); short protein forms D281E.
Identifiers: ClinVar variation 1681389 (VCV001681389.8), dbSNP rs754506887, ClinGen allele CA376395539.